The following is an entry in ClinVar:

NM_001365276.2(TNXB):c.6322C>T (p.Pro2108Ser)

Gene: TNXB (tenascin XB; minus strand). Cytogenetic location: 6p21.33.
Variant type: single nucleotide variant.
Coding change: c.6322C>T on transcript NM_001365276.2 (MANE Select); coding-DNA position 6322, C replaced by T.
Protein change: p.Pro2108Ser; replaces proline 2108 with serine.
Molecular consequence: missense variant.
Genome position (GRCh38, 1-based): chr6:32,067,883, G>A on the plus strand (C>T on the coding strand, the complement: TNXB is on the minus strand). VCF-style: chr6-32067883-G-A. GRCh37 (hg19) VCF-style: chr6-32035660-G-A.
Other names: c.6322C>T, p.Pro2108Ser (NM_019105.8); short protein forms P2108S.
Identifiers: ClinVar variation 1752858 (VCV001752858.3), dbSNP rs774696062, ClinGen allele CA3734464.

ClinVar aggregate classification (germline): Uncertain significance (1 of 4 stars; one submission).

Conditions:
Cardiovascular phenotype. Identifiers: MedGen CN230736.

Allele frequency attached by ClinVar (database versions not stated): gnomAD exomes 0.00001; ExAC 0.00002; gnomAD 0.00005; TOPMed 0.00014.

Submission:

Ambry Genetics
Classification: Uncertain significance for Cardiovascular phenotype. Last evaluated: 2024-06-16. Review status: criteria provided, single submitter. Criteria: Ambry Variant Classification Scheme 2023. Collection method: clinical testing. Allele origin: germline.
Comment: The p.P2108S variant (also known as c.6322C>T), located in coding exon 17 of the TNXB gene, results from a C to T substitution at nucleotide position 6322. The proline at codon 2108 is replaced by serine, an amino acid with similar properties. This amino acid position is conserved. In addition, this alteration is predicted to be tolerated by in silico analysis. Since supporting evidence is limited at this time, the clinical significance of this alteration remains unclear.